The following is an entry in ClinVar:

ClinVar aggregate classification (germline): Uncertain significance (1 of 4 stars; one submission).

Conditions:
Charcot-Marie-Tooth disease axonal type 2O. Also called: CHARCOT-MARIE-TOOTH NEUROPATHY, AXONAL, TYPE 2O; CHARCOT-MARIE-TOOTH DISEASE, AXONAL, AUTOSOMAL DOMINANT, TYPE 2O; Charcot-Marie-Tooth Neuropathy Type 2O; Charcot-Marie-Tooth disease, axonal, type 20. Identifiers: Orphanet 284232, MedGen C3280220, MONDO:0013644, OMIM 614228.

Submission:

Labcorp Genetics (formerly Invitae), Labcorp
Classification: Uncertain significance for Charcot-Marie-Tooth disease axonal type 2O. Last evaluated: 2023-06-30. Review status: criteria provided, single submitter. Criteria: Invitae Variant Classification Sherloc (09022015). Collection method: clinical testing. Allele origin: germline.
Comment: This variant has not been reported in the literature in individuals affected with DYNC1H1-related conditions. This variant is not present in population databases (gnomAD no frequency). This sequence change falls in intron 74 of the DYNC1H1 gene. It does not directly change the encoded amino acid sequence of the DYNC1H1 protein. It affects a nucleotide within the consensus splice site. ClinVar contains an entry for this variant (Variation ID: 569506). In summary, the available evidence is currently insufficient to determine the role of this variant in disease. Therefore, it has been classified as a Variant of Uncertain Significance. Variants that disrupt the consensus splice site are a relatively common cause of aberrant splicing (PMID: 17576681, 9536098). Algorithms developed to predict the effect of sequence changes on RNA splicing suggest that this variant may disrupt the consensus splice site.

Literature cited by the submitters: PubMed 17576681; PubMed 9536098.

NM_001376.5(DYNC1H1):c.13373-3C>G

Gene: DYNC1H1 (dynein cytoplasmic 1 heavy chain 1; plus strand). Cytogenetic location: 14q32.31.
Variant type: single nucleotide variant.
Coding change: c.13373-3C>G on transcript NM_001376.5 (MANE Select); 3 bases into the intron before coding-DNA position 13373, C replaced by G.
Molecular consequence: intron variant.
Genome position (GRCh38, 1-based): chr14:102,049,437, C>G. VCF-style: chr14-102049437-C-G. GRCh37 (hg19) VCF-style: chr14-102515774-C-G.
Identifiers: ClinVar variation 569506 (VCV000569506.8), dbSNP rs1567025991, ClinGen allele CA891843736.